The following is an entry in ClinVar:

ClinVar aggregate classification (germline): Pathogenic (1 of 4 stars; one submission).

Submission:

Labcorp Genetics (formerly Invitae), Labcorp
Classification: Pathogenic. Last evaluated: 2023-10-28. Review status: criteria provided, single submitter. Criteria: Invitae Variant Classification Sherloc (09022015). Collection method: clinical testing. Allele origin: unknown.
Comment: This variant is a gross deletion of the genomic region encompassing exon(s) 4-9 of the FMO3 gene, which includes the termination codon. This deletion extends beyond the assayed region for this gene and therefore may encompass additional genes. While this deletion is not anticipated to lead to nonsense mediated decay, it is expected to alter mRNA translation or result in a truncated protein product. This variant has not been reported in the literature in individuals affected with FMO3-related conditions. This variant disrupts a region of the FMO3 protein in which other variant(s) (p.Arg500*) have been determined to be pathogenic (PMID: 16858129, 16996766). This suggests that this is a clinically significant region of the protein, and that variants that disrupt it are likely to be disease-causing. For these reasons, this variant has been classified as Pathogenic.

Literature cited by the submitters: PubMed 16858129; PubMed 16996766.

NC_000001.10:g.(?_171076796)_(171086582_?)del

Gene: FMO3 (flavin containing dimethylaniline monoxygenase 3; plus strand). Cytogenetic location: 1q24.3.
Variant type: Deletion.
Identifiers: ClinVar variation 3247979 (VCV003247979.1).